The following is an entry in ClinVar:

ClinVar aggregate classification (germline): Likely pathogenic (1 of 4 stars; one submission).

Submission:

Centre of Medical Genetics, University Hospital Muenster
Classification: Likely pathogenic. Last evaluated: 2023-04-25. Review status: criteria provided, single submitter. Criteria: ACMG Guidelines, 2015. Collection method: clinical testing. Allele origin: unknown. Affected: yes. Observed: 1 variant allele, 1 homozygote.
Comment: ACMG categories: PVS1,PM2

NM_031310.3(PLVAP):c.670_676del (p.Leu224fs)

Gene: PLVAP (plasmalemma vesicle associated protein; minus strand). Cytogenetic location: 19p13.11.
Variant type: Deletion.
Coding change: c.670_676del on transcript NM_031310.3 (MANE Select); coding-DNA positions 670 to 676, 7 bases deleted (CTCTGCC; older notation c.670_676delCTCTGCC).
Protein change: p.Leu224fs; shifts the reading frame from leucine 224.
Molecular consequence: frameshift variant.
Genome position (GRCh38, 1-based): chr19:17,365,789-17,365,795, GGCAGAG deleted on the plus strand (CTCTGCC on the coding strand, the reverse complement: PLVAP is on the minus strand); deleting any 7 consecutive bases within chr19:17,365,789-17,365,798 gives the same sequence; the c. name uses the placement nearest the transcript's 3' end. VCF-style (leftmost placement, unchanged base first): chr19-17365788-AGGCAGAG-A. GRCh37 (hg19) VCF-style: chr19-17476597-AGGCAGAG-A.
Other names: short protein forms L224fs.
Identifiers: ClinVar variation 2504164 (VCV002504164.2), dbSNP rs2513229473, ClinGen allele CA2580613082.